The following is an entry in ClinVar:

NM_001048174.2(MUTYH):c.504G>C (p.Glu168Asp)

Gene: MUTYH (mutY DNA glycosylase; minus strand). Cytogenetic location: 1p34.1.
Variant type: single nucleotide variant.
Coding change: c.504G>C on transcript NM_001048174.2 (MANE Select); coding-DNA position 504, G replaced by C.
Protein change: p.Glu168Asp; replaces glutamic acid 168 with aspartic acid.
Molecular consequence: missense variant. On other transcripts: non-coding transcript variant (2).
Genome position (GRCh38, 1-based): chr1:45,332,676, C>G on the plus strand (G>C on the coding strand, the complement: MUTYH is on the minus strand). VCF-style: chr1-45332676-C-G. GRCh37 (hg19) VCF-style: chr1-45798348-C-G.
Other names: c.504G>C, p.Glu168Asp (NM_001048171.2, NM_001048173.2, NM_001293195.2); c.507G>C, p.Glu169Asp (NM_001048172.2); c.588G>C, p.Glu196Asp (NM_001128425.2); c.549G>C, p.Glu183Asp (NM_001293190.2); c.537G>C, p.Glu179Asp (NM_001293191.2); c.228G>C, p.Glu76Asp (NM_001293192.2, NM_001293196.2); c.159G>C, p.Glu53Asp (NM_001350650.2, NM_001350651.2); c.579G>C, p.Glu193Asp (NM_012222.3); short protein forms E196D, E179D, E183D, E193D, E53D, E76D, E168D, E169D.
Identifiers: ClinVar variation 141306 (VCV000141306.30), dbSNP rs587781645, ClinGen allele CA013929.

ClinVar aggregate classification (germline): Conflicting classifications of pathogenicity. Review status: criteria provided, conflicting classifications (1 of 4 stars). 12 submissions from 12 submitters: Uncertain significance (11); Likely benign (1). Last evaluated 2026-01-28.

Conditions:
Hereditary cancer-predisposing syndrome. Also called: Tumor predisposition; Hereditary Cancer Syndrome; Neoplastic Syndromes, Hereditary; Hereditary neoplastic syndrome. Identifiers: Orphanet 140162, MedGen C0027672, MeSH D009386, MONDO:0015356.
Familial adenomatous polyposis 2. Also called: Adenomas, multiple colorectal; MUTYH-associated polyposis; MUTYH Polyposis; FAP type 2; COLORECTAL ADENOMATOUS POLYPOSIS, AUTOSOMAL RECESSIVE; ADENOMAS, MULTIPLE COLORECTAL, AUTOSOMAL RECESSIVE. Identifiers: Orphanet 220460, Orphanet 247798, MedGen C3272841, MONDO:0012041, OMIM 608456.

Allele frequency attached by ClinVar (database versions not stated): ExAC 0.00002; gnomAD 0.00002; gnomAD exomes 0.00002; TOPMed 0.00002.
gnomAD v4.1: 28 of 1,614,066 alleles (0.0017%); highest among the groups gnomAD compares: African/African-American, 0.0027%; no homozygotes.

Submissions (12):

Labcorp Genetics (formerly Invitae), Labcorp
Classification: Uncertain significance for Familial adenomatous polyposis 2. Last evaluated: 2026-01-28. Review status: criteria provided, single submitter. Criteria: Invitae Variant Classification Sherloc (09022015). Collection method: clinical testing. Allele origin: germline.
Comment: This sequence change replaces glutamic acid, which is acidic and polar, with aspartic acid, which is acidic and polar, at codon 196 of the MUTYH protein (p.Glu196Asp). This variant is present in population databases (rs587781645, gnomAD 0.004%). This variant has not been reported in the literature in individuals affected with MUTYH-related conditions. ClinVar contains an entry for this variant (Variation ID: 141306). An algorithm developed to predict the effect of missense changes on protein structure and function (PolyPhen-2) suggests that this variant is likely to be tolerated. In summary, the available evidence is currently insufficient to determine the role of this variant in disease. Therefore, it has been classified as a Variant of Uncertain Significance.

Ambry Genetics
Classification: Likely benign for Hereditary cancer-predisposing syndrome. Last evaluated: 2025-09-15. Review status: criteria provided, single submitter. Criteria: Ambry Variant Classification Scheme 2023. Collection method: clinical testing. Allele origin: germline.

Color Diagnostics, LLC DBA Color Health
Classification: Uncertain significance for Hereditary cancer-predisposing syndrome. Last evaluated: 2025-07-29. Review status: criteria provided, single submitter. Criteria: ACMG Guidelines, 2015. Collection method: clinical testing. Allele origin: germline.
Comment: This missense variant replaces glutamic acid with aspartic acid at codon 196 of the MUTYH protein. Computational prediction suggests that this variant may not impact protein structure and function. To our knowledge, functional studies have not been reported for this variant. In a large international case-control study, this variant was reported in 1/60466 breast cancer cases and 1/53461 controls (PMID: 33471991). This variant has not been reported in individuals affected with MUTYH-related disorders in the literature. This variant has been identified in 5/251470 chromosomes in the general population by the Genome Aggregation Database (gnomAD). The available evidence is insufficient to determine the role of this variant in disease conclusively. Therefore, this variant is classified as a Variant of Uncertain Significance.

GeneDx
Classification: Uncertain significance. Last evaluated: 2025-06-30. Review status: criteria provided, single submitter. Criteria: GeneDx Variant Classification Process June 2021. Collection method: clinical testing. Allele origin: germline. Affected: yes.
Comment: Not observed at significant frequency in large population cohorts (gnomAD); In silico analysis suggests that this missense variant does not alter protein structure/function; Observed in patients with breast cancer as well as unaffected individuals (PMID: 33471991); This variant is associated with the following publications: (PMID: 31159747, 33471991)

All of Us Research Program, National Institutes of Health
Classification: Uncertain significance for Familial adenomatous polyposis 2. Last evaluated: 2024-05-14. Review status: criteria provided, single submitter. Criteria: ACMG Guidelines, 2015. Collection method: clinical testing. Allele origin: germline. Inheritance: Autosomal recessive inheritance. Observed: 11 variant alleles, 11 heterozygotes.
Comment: This missense variant replaces glutamic acid with aspartic acid at codon 196 of the MUTYH protein. Computational prediction suggests that this variant may not impact protein structure and function (internally defined REVEL score threshold <= 0.5, PMID: 27666373). To our knowledge, functional studies have not been reported for this variant. This variant has been reported in individuals referred for hereditary cancer screening (PMID: 31159747). In a large international case-control study, this variant was reported in 1/60466 breast cancer cases and 1/53461 controls (PMID: 33471991). This variant has not been reported in individuals affected with MUTYH-related disorders in the literature. This variant has been identified in 5/251470 chromosomes in the general population by the Genome Aggregation Database (gnomAD). The available evidence is insufficient to determine the role of this variant in disease conclusively. Therefore, this variant is classified as a Variant of Uncertain Significance.

This study involves interpretation of variants in research participants for the purpose of population health screening. Participant phenotype was not available at the time of variant classification. Additional details can be found in publication PMID: 35346344, PMCID: PMC8962531

Blueprint Genetics
Classification: Uncertain significance. Last evaluated: 2023-11-23. Review status: criteria provided, single submitter. Criteria: ACMG Guidelines, 2015. Collection method: clinical testing. Allele origin: germline.

Baylor Genetics
Classification: Uncertain significance for Familial adenomatous polyposis 2. Last evaluated: 2023-08-17. Review status: criteria provided, single submitter. Criteria: ACMG Guidelines, 2015. Collection method: clinical testing. Allele origin: unknown.

Sema4
Classification: Uncertain significance for Hereditary cancer-predisposing syndrome. Last evaluated: 2021-09-23. Review status: criteria provided, single submitter. Criteria: Sema4 Curation Guidelines. Collection method: curation. Allele origin: germline.
Comment: The MUTYH c.588G>C (p.E196D) variant has been reported in at least one individual with breast cancer, at least two individuals undergoing hereditary cancer screening, and in an unaffected control (PMID: 33471991, 31159747). It was observed in 5/113760 chromosomes of the Non-Finnish European subpopulation in the large and broad cohorts of the Genome Aggregation Database (PMID: 32461654). The variant has been reported in ClinVar (Variation ID: 141306). Functional studies have not been performed, and in silico predictions of the variant's effect on protein function are inconclusive. The evidence is insufficient to meet ACMG/AMP criteria for classifying the variant as benign or pathogenic. Thus, the clinical significance of this variant is currently uncertain.

Quest Diagnostics Nichols Institute San Juan Capistrano
Classification: Uncertain significance. Last evaluated: 2021-08-19. Review status: criteria provided, single submitter. Criteria: Quest Diagnostics criteria. Collection method: clinical testing. Allele origin: unknown.

Women's Health and Genetics/Laboratory Corporation of America, LabCorp
Classification: Uncertain significance. Last evaluated: 2021-04-01. Review status: criteria provided, single submitter. Criteria: LabCorp Variant Classification Summary - May 2015. Collection method: clinical testing. Allele origin: germline.
Comment: Variant summary: MUTYH c.588G>C (p.Glu196Asp) results in a conservative amino acid change located in the HhH-GPD domain (IPR003265) of the encoded protein sequence. Four of five in-silico tools predict a benign effect of the variant on protein function. The variant allele was found at a frequency of 2e-05 in 251470 control chromosomes. The available data on variant occurrences in the general population are insufficient to allow any conclusion about variant significance. c.588G>C has been reported in the literature in individuals screened for hereditary cancer (e.g. Tsaousis_2019). These reports do not provide unequivocal conclusions about association of the variant with MUTYH-Associated Polyposis. To our knowledge, no experimental evidence demonstrating an impact on protein function has been reported. Six other clinical diagnostic laboratories have submitted clinical-significance assessments for this variant to ClinVar after 2014 without evidence for independent evaluation. All laboratories cited the variant as uncertain significance. Based on the evidence outlined above, the variant was classified as uncertain significance.

GeneKor MSA
Classification: Uncertain significance for Hereditary cancer-predisposing syndrome. Last evaluated: 2018-08-01. Review status: criteria provided, single submitter. Criteria: ACMG Guidelines, 2015. Collection method: clinical testing. Allele origin: germline. Affected: yes.

Mendelics
Classification: Uncertain significance for MYH-associated polyposis. Last evaluated: 2018-07-02. Review status: criteria provided, single submitter. Criteria: Mendelics Assertion Criteria 2017. Collection method: clinical testing. Allele origin: unknown.

Literature cited by the submitters: PubMed 31159747 (cited by 5 submitters); PubMed 33471991 (cited by 3 submitters).